The following is an entry in ClinVar:

NM_001099274.3(TINF2):c.389C>G (p.Ser130Trp)

Gene: TINF2 (TERF1 interacting nuclear factor 2; minus strand). Cytogenetic location: 14q12.
Variant type: single nucleotide variant.
Coding change: c.389C>G on transcript NM_001099274.3 (MANE Select); coding-DNA position 389, C replaced by G.
Protein change: p.Ser130Trp; replaces serine 130 with tryptophan.
Molecular consequence: missense variant.
Genome position (GRCh38, 1-based): chr14:24,241,685, G>C on the plus strand (C>G on the coding strand, the complement: TINF2 is on the minus strand). VCF-style: chr14-24241685-G-C. GRCh37 (hg19) VCF-style: chr14-24710891-G-C.
Other names: c.284C>G, p.Ser95Trp (NM_001363668.2); c.389C>G, p.Ser130Trp (NM_012461.3); short protein forms S130W, S95W.
Identifiers: ClinVar variation 2979765 (VCV002979765.3), dbSNP rs746984199, ClinGen allele CA389232614.

ClinVar aggregate classification (germline): Uncertain significance (1 of 4 stars; one submission).

Conditions:
Dyskeratosis congenita. Identifiers: Orphanet 1775, MedGen C0265965, MONDO:0015780.

Submission:

Labcorp Genetics (formerly Invitae), Labcorp
Classification: Uncertain significance for Dyskeratosis congenita. Last evaluated: 2023-04-12. Review status: criteria provided, single submitter. Criteria: Invitae Variant Classification Sherloc (09022015). Collection method: clinical testing. Allele origin: germline.
Comment: This sequence change replaces serine, which is neutral and polar, with tryptophan, which is neutral and slightly polar, at codon 130 of the TINF2 protein (p.Ser130Trp). In summary, the available evidence is currently insufficient to determine the role of this variant in disease. Therefore, it has been classified as a Variant of Uncertain Significance. Algorithms developed to predict the effect of missense changes on protein structure and function output the following: SIFT: "Not Available"; PolyPhen-2: "Possibly Damaging"; Align-GVGD: "Not Available". The tryptophan amino acid residue is found in multiple mammalian species, which suggests that this missense change does not adversely affect protein function. This variant has not been reported in the literature in individuals affected with TINF2-related conditions. This variant is not present in population databases (gnomAD no frequency).